The following is an entry in ClinVar:

NM_014014.5(SNRNP200):c.1939C>G (p.Arg647Gly)

Gene: SNRNP200 (small nuclear ribonucleoprotein U5 subunit 200; minus strand). Cytogenetic location: 2q11.2.
Variant type: single nucleotide variant.
Coding change: c.1939C>G on transcript NM_014014.5 (MANE Select); coding-DNA position 1939, C replaced by G.
Protein change: p.Arg647Gly; replaces arginine 647 with glycine.
Molecular consequence: missense variant.
Genome position (GRCh38, 1-based): chr2:96,293,413, G>C on the plus strand (C>G on the coding strand, the complement: SNRNP200 is on the minus strand). VCF-style: chr2-96293413-G-C. GRCh37 (hg19) VCF-style: chr2-96959151-G-C.
Other names: short protein forms R647G.
Identifiers: ClinVar variation 1390503 (VCV001390503.6), dbSNP rs2104352451, ClinGen allele CA347680233.

ClinVar aggregate classification (germline): Uncertain significance (1 of 4 stars; one submission).

Submission:

Labcorp Genetics (formerly Invitae), Labcorp
Classification: Uncertain significance. Last evaluated: 2022-06-27. Review status: criteria provided, single submitter. Criteria: Invitae Variant Classification Sherloc (09022015). Collection method: clinical testing. Allele origin: germline.
Comment: This sequence change replaces arginine, which is basic and polar, with glycine, which is neutral and non-polar, at codon 647 of the SNRNP200 protein (p.Arg647Gly). This variant is not present in population databases (gnomAD no frequency). This variant has not been reported in the literature in individuals affected with SNRNP200-related conditions. Algorithms developed to predict the effect of missense changes on protein structure and function are either unavailable or do not agree on the potential impact of this missense change (SIFT: "Deleterious"; PolyPhen-2: "Probably Damaging"; Align-GVGD: "Class C0"). In summary, the available evidence is currently insufficient to determine the role of this variant in disease. Therefore, it has been classified as a Variant of Uncertain Significance.